The following is an entry in ClinVar:

NM_001083962.2(TCF4):c.8A>G (p.His3Arg)

Gene: TCF4 (transcription factor 4; minus strand). Cytogenetic location: 18q21.2.
Variant type: single nucleotide variant.
Coding change: c.8A>G on transcript NM_001083962.2 (MANE Select); coding-DNA position 8, A replaced by G.
Protein change: p.His3Arg; replaces histidine 3 with arginine.
Molecular consequence: missense variant. On other transcripts: intron variant (12).
Genome position (GRCh38, 1-based): chr18:55,587,109, T>C on the plus strand (A>G on the coding strand, the complement: TCF4 is on the minus strand). VCF-style: chr18-55587109-T-C. GRCh37 (hg19) VCF-style: chr18-53254340-T-C.
Other names: NM_001083962.2(TCF4):c.8A>G; p.His3Arg; c.314A>G, p.His105Arg (NM_001243226.3); c.8A>G, p.His3Arg (NM_001243228.2, NM_001330604.3, NM_001369567.1 and 8 more transcripts); c.1-1757A>G (NM_001369584.1, NM_001369576.1, NM_001369577.1 and 3 more transcripts); c.66+1361A>G (NM_001243230.2); c.-1+929A>G (NM_001369585.1, NM_001369578.1, NM_001369579.1 and 2 more transcripts); short protein forms H105R, H3R.
Identifiers: ClinVar variation 1187938 (VCV001187938.5), dbSNP rs2097656766, ClinGen allele CA402704500.

ClinVar aggregate classification (germline): Likely benign. Review status: reviewed by expert panel (3 of 4 stars). 3 submissions from 3 submitters: Likely benign (1). 2 of the submissions do not count toward it. Last evaluated 2026-01-28.

Conditions:
Pitt-Hopkins syndrome (PTHS). Also called: ENCEPHALOPATHY, SEVERE EPILEPTIC, WITH AUTONOMIC DYSFUNCTION; MENTAL RETARDATION, SYNDROMAL, WITH INTERMITTENT HYPERVENTILATION. Identifiers: Orphanet 2896, MedGen C1970431, MONDO:0012589, OMIM 610954.

Submissions (3):

ClinGen Rett and Angelman-like Disorders Variant Curation Expert Panel
Classification: Likely benign for Pitt-Hopkins syndrome. Last evaluated: 2026-01-28. Review status: reviewed by expert panel. Criteria: ClinGen RettAS ACMG Specifications TCF4 V5.0.0. Collection method: curation. Allele origin: germline. Inheritance: Autosomal dominant inheritance.
Comment: The p.His3Arg variant has been observed in at least 2 unaffected individuals (GeneDx- internal database) (BS2) and found in a patient with an alternate molecular basis of disease (GeneDx- internal database) (BP5). The computational predictor REVEL gives a score of 0.237, which is below the threshold of 0.290, evidence that does not predict a damaging effect on TCF4 function (BP4). The p.His3Arg variant in TCF4 is absent from gnomAD v4.1 (PM2_supporting). The p.His3Arg variant is not currently published and is not present in additional databases (internal and publicly available), therefore, no additional criteria are applicable at this time. In the absence of other pathogenic evidence beyond PM2_Supporting, and because this variant has been observed in 9 unaffected individuals and 1 individuals with an alternate molecular diagnosis, the ClinGen Rett and Angelman-like Disorders Variant Curation Expert Panel has agreed to overrule the PM2_Supporting criterion and classified this variant as Likely Benign based on the ACMG/AMP criteria (BS2, BP4, BP5). (TCF4 Specifications v.5.0; curation approved on 01/28/2026)

Labcorp Genetics (formerly Invitae), Labcorp
Classification: Uncertain significance for Pitt-Hopkins syndrome. Last evaluated: 2022-11-01. Review status: criteria provided, single submitter. Criteria: Invitae Variant Classification Sherloc (09022015). Collection method: clinical testing. Allele origin: germline. Not counted in ClinVar's aggregate classification.
Comment: This variant has not been reported in the literature in individuals affected with TCF4-related conditions. This variant is not present in population databases (gnomAD no frequency). ClinVar contains an entry for this variant (Variation ID: 1187938). Advanced modeling of protein sequence and biophysical properties (such as structural, functional, and spatial information, amino acid conservation, physicochemical variation, residue mobility, and thermodynamic stability) performed at Invitae indicates that this missense variant is not expected to disrupt TCF4 protein function. In summary, the available evidence is currently insufficient to determine the role of this variant in disease. Therefore, it has been classified as a Variant of Uncertain Significance. This sequence change replaces histidine, which is basic and polar, with arginine, which is basic and polar, at codon 3 of the TCF4 protein (p.His3Arg).

GeneDx
Classification: Likely benign. Last evaluated: 2018-12-11. Review status: criteria provided, single submitter. Criteria: GeneDx Variant Classification Process June 2021. Collection method: clinical testing. Allele origin: germline. Affected: yes. Not counted in ClinVar's aggregate classification.